The following is an entry in ClinVar:

NM_000059.4(BRCA2):c.505A>C (p.Lys169Gln)

Gene: BRCA2 (BRCA2 DNA repair associated; plus strand). Cytogenetic location: 13q13.1.
Variant type: single nucleotide variant.
Coding change: c.505A>C on transcript NM_000059.4 (MANE Select); coding-DNA position 505, A replaced by C.
Protein change: p.Lys169Gln; replaces lysine 169 with glutamine.
Molecular consequence: missense variant.
Genome position (GRCh38, 1-based): chr13:32,326,271, A>C. VCF-style: chr13-32326271-A-C. GRCh37 (hg19) VCF-style: chr13-32900408-A-C.
Other names: short protein forms K169Q.
Identifiers: ClinVar variation 233024 (VCV000233024.19), dbSNP rs41293467, ClinGen allele CA10579462.
Genomic context (GRCh38, chr13:32,326,271, plus strand): 5'-CTTAACAATTTTCCCCTTTTTTTACCCCCAGTGGTATGTGGGAGTTTGTTTCATACACCA[A>C]AGTTTGTGAAGGTAAATATTCTACCTGGTTTATTTTTATGACTTAGTAATTGAGAATTTG-3'
Protein context (NP_000050.3, residues 159-179): VVCGSLFHTP[Lys169Gln]FVKGRQTPKH

ClinVar aggregate classification (germline): Uncertain significance. Review status: criteria provided, multiple submitters, no conflicts (2 of 4 stars). 5 submissions from 5 submitters: Uncertain significance (5). Last evaluated 2025-10-10.

Conditions:
Hereditary breast ovarian cancer syndrome. Also called: Hereditary breast and ovarian cancer syndrome; Breast and ovarian cancer; Hereditary breast and ovarian cancer; Hereditary breast and ovarian cancer syndrome (HBOC); BRCA1- and BRCA2-Associated Hereditary Breast and Ovarian Cancer; Hereditary breast and/or ovarian cancer syndrome. Identifiers: Orphanet 145, MedGen C0677776, MeSH D061325, MONDO:0003582. Disease mechanism: loss of function.
Hereditary cancer-predisposing syndrome. Also called: Hereditary neoplastic syndrome; Hereditary Cancer Syndrome; Neoplastic Syndromes, Hereditary; Tumor predisposition. Identifiers: Orphanet 140162, MedGen C0027672, MeSH D009386, MONDO:0015356.
Fanconi anemia complementation group D1. Also called: BRCA2-Related Fanconi Anemia. Identifiers: Orphanet 319462, MedGen C1838457, MONDO:0011584, OMIM 605724.
Medulloblastoma (MDB). Also called: MEDULLOBLASTOMA PREDISPOSITION SYNDROME; Medulloblastoma, somatic. Identifiers: Orphanet 616, MedGen C0025149, MeSH D008527, MONDO:0007959, OMIM 155255, HP:0002885.
Prostate cancer. Also called: Malignant tumor of prostate. Identifiers: Orphanet 1331, MedGen C0376358, MONDO:0008315, HP:0012125.
Familial cancer of breast. Also called: hereditary breast carcinoma; BREAST CANCER, FAMILIAL; Hereditary breast cancer. Identifiers: Orphanet 227535, MedGen C0346153, MONDO:0016419, OMIM 114480. Disease mechanism: loss of function.
Breast-ovarian cancer, familial, susceptibility to, 2 (BROVCA2). Also called: BRCA2 Hereditary Breast and Ovarian Cancer. Identifiers: Orphanet 145, MedGen C2675520, MONDO:0012933, OMIM 612555. Disease mechanism: loss of function.
Wilms tumor 1 (WT1). Also called: Wilms tumor, somatic. Identifiers: Orphanet 654, MedGen CN033288, MONDO:0008679, OMIM 194070.
Pancreatic cancer, susceptibility to, 2. Identifiers: Orphanet 1333, MedGen C3150546, MONDO:0013235, OMIM 613347.
Glioma susceptibility 3 (GLM3). Also called: Glioblastoma 3. Identifiers: Orphanet 182067, Orphanet 360, MedGen C2751641, MONDO:0013093, OMIM 613029.

Allele frequency attached by ClinVar (database versions not stated): TOPMed 0.00001; ESP Exome Variant Server 0.00008; gnomAD 0.00001.
gnomAD v4.1: 2 of 1,613,034 alleles (0.00012%); highest among the groups gnomAD compares: African/African-American, 0.0027%; no homozygotes.

Submissions (5):

Women's Health and Genetics/Laboratory Corporation of America, LabCorp
Classification: Uncertain significance. Last evaluated: 2025-10-10. Review status: criteria provided, single submitter. Criteria: LabCorp Variant Classification Summary - May 2015. Collection method: clinical testing. Allele origin: germline.

Labcorp Genetics (formerly Invitae), Labcorp
Classification: Uncertain significance for Hereditary breast ovarian cancer syndrome. Last evaluated: 2025-04-26. Review status: criteria provided, single submitter. Criteria: Invitae Variant Classification Sherloc (09022015). Collection method: clinical testing. Allele origin: germline.
Comment: This sequence change replaces lysine, which is basic and polar, with glutamine, which is neutral and polar, at codon 169 of the BRCA2 protein (p.Lys169Gln). This variant is not present in population databases (gnomAD no frequency). This variant has not been reported in the literature in individuals affected with BRCA2-related conditions. ClinVar contains an entry for this variant (Variation ID: 233024). Invitae Evidence Modeling of protein sequence and biophysical properties (such as structural, functional, and spatial information, amino acid conservation, physicochemical variation, residue mobility, and thermodynamic stability) indicates that this missense variant is not expected to disrupt BRCA2 protein function with a negative predictive value of 95%. In summary, the available evidence is currently insufficient to determine the role of this variant in disease. Therefore, it has been classified as a Variant of Uncertain Significance.

Ambry Genetics
Classification: Uncertain significance for Hereditary cancer-predisposing syndrome. Last evaluated: 2025-03-28. Review status: criteria provided, single submitter. Criteria: Ambry Variant Classification Scheme 2023. Collection method: clinical testing. Allele origin: germline.
Comment: The p.K169Q variant (also known as c.505A>C), located in coding exon 5 of the BRCA2 gene, results from an A to C substitution at nucleotide position 505. The lysine at codon 169 is replaced by glutamine, an amino acid with similar properties. This amino acid position is well conserved in available vertebrate species. In addition, this alteration is predicted to be tolerated by in silico analysis. Since supporting evidence is limited at this time, the clinical significance of this alteration remains unclear.

Fulgent Genetics
Classification: Uncertain significance for Familial cancer of breast; Medulloblastoma; Familial prostate cancer; Wilms tumor 1; Fanconi anemia complementation group D1; Breast-ovarian cancer, familial, susceptibility to, 2; Glioma susceptibility 3; Pancreatic cancer, susceptibility to, 2. Last evaluated: 2022-05-31. Review status: criteria provided, single submitter. Criteria: ACMG Guidelines, 2015. Collection method: clinical testing. Allele origin: unknown.

Color Diagnostics, LLC DBA Color Health
Classification: Uncertain significance for Hereditary cancer-predisposing syndrome. Last evaluated: 2019-04-02. Review status: criteria provided, single submitter. Criteria: ACMG Guidelines, 2015. Collection method: clinical testing. Allele origin: germline.